The following is an entry in ClinVar:

NM_017654.4(SAMD9):c.1732G>A (p.Val578Met)

Gene: SAMD9 (sterile alpha motif domain containing 9; minus strand). Cytogenetic location: 7q21.2.
Variant type: single nucleotide variant.
Coding change: c.1732G>A on transcript NM_017654.4 (MANE Select); coding-DNA position 1732, G replaced by A.
Protein change: p.Val578Met; replaces valine 578 with methionine.
Molecular consequence: missense variant.
Genome position (GRCh38, 1-based): chr7:93,104,366, C>T on the plus strand (G>A on the coding strand, the complement: SAMD9 is on the minus strand). VCF-style: chr7-93104366-C-T. GRCh37 (hg19) VCF-style: chr7-92733679-C-T.
Other names: c.1732G>A, p.Val578Met (NM_001193307.2); short protein forms V578M.
Identifiers: ClinVar variation 3949738 (VCV003949738.2).

ClinVar aggregate classification (germline): Uncertain significance (1 of 4 stars; one submission).

Conditions:
Inborn genetic diseases. Identifiers: MedGen C0950123, MeSH D030342.

Submission:

Ambry Genetics
Classification: Uncertain significance for Inborn genetic diseases. Last evaluated: 2025-09-07. Review status: criteria provided, single submitter. Criteria: Ambry Variant Classification Scheme 2023. Collection method: clinical testing. Allele origin: germline.
Comment: The p.V578M variant (also known as c.1732G>A), located in coding exon 1 of the SAMD9 gene, results from a G to A substitution at nucleotide position 1732. The valine at codon 578 is replaced by methionine, an amino acid with highly similar properties. This amino acid position is conserved. In addition, this alteration is predicted to be tolerated by in silico analysis. Based on the available evidence, the clinical significance of this variant remains unclear.